The following is an entry in ClinVar:

ClinVar aggregate classification (germline): Likely pathogenic (1 of 4 stars; one submission).

Conditions:
Proliferative vasculopathy and hydranencephaly-hydrocephaly syndrome. Also called: ENCEPHALOCLASTIC PROLIFERATIVE VASCULOPATHY; HYDRANENCEPHALY, FOWLER TYPE; HYDROCEPHALY/HYDRANENCEPHALY DUE TO CEREBRAL VASCULOPATHY; Fowler syndrome. Identifiers: Orphanet 221126, MedGen C1856972, MONDO:0009168, OMIM 225790.

Submission:

Faculty of Engineering and Natural Sciences, Biruni University
Classification: Likely pathogenic for Proliferative vasculopathy and hydranencephaly-hydrocephaly syndrome. Last evaluated: 2023-04-20. Review status: criteria provided, single submitter. Criteria: ACMG Guidelines, 2015. Collection method: clinical testing. Allele origin: germline. Affected: yes. Observed: 1 variant allele.
Comment: The NM_017791.3 c.191del, is a frameshift variant in FLVCR2 which is predicted to result in a premature stop codon at position 78, and likely results in an absent or disrupted protein product (PVS1). It was absent from large population studies(gnomAD)(PM2). The phenotypic features observed in the proband, including hydrocephalus and epilepsy attacks, are consistent with Fowler Syndrome, which has previously been associated with an autosomal recessive inheritance pattern in the FLVCR2 gene (PMID: 25677735). It is thought that these two variants together cause Fowler Syndrome by forming compound heterozygote.

Literature cited by the submitters: PubMed 25677735; DOI 10.1111/epi.16701; DOI https.

NM_017791.3(FLVCR2):c.191del (p.Leu64fs)

Genes: FLVCR2 (FLVCR choline and putative heme transporter 2; plus strand), FLVCR2-AS1 (FLVCR2 antisense RNA 1; minus strand). Cytogenetic location: 14q24.3.
Variant type: Deletion.
Coding change: c.191del on transcript NM_017791.3 (MANE Select); coding-DNA position 191, one base deleted (T; older notation c.191delT).
Protein change: p.Leu64fs; shifts the reading frame from leucine 64.
Molecular consequence: frameshift variant. On other transcripts: non-coding transcript variant (1).
Genome position (GRCh38, 1-based): chr14:75,579,163, T deleted; the last of 2 consecutive T bases (chr14:75,579,162-75,579,163); deleting either gives the same sequence. VCF-style (leftmost placement, unchanged base first): chr14-75579161-CT-C. GRCh37 (hg19) VCF-style: chr14-76045504-CT-C.
Other names: short protein forms L64fs.
Identifiers: ClinVar variation 3341082 (VCV003341082.2).